The following is an entry in ClinVar:

NM_001042492.3(NF1):c.1204T>G (p.Ser402Ala)

Gene: NF1 (neurofibromin 1; plus strand). Cytogenetic location: 17q11.2.
Variant type: single nucleotide variant.
Coding change: c.1204T>G on transcript NM_001042492.3 (MANE Select); coding-DNA position 1204, T replaced by G.
Protein change: p.Ser402Ala; replaces serine 402 with alanine.
Molecular consequence: missense variant.
Genome position (GRCh38, 1-based): chr17:31,201,429, T>G. VCF-style: chr17-31201429-T-G. GRCh37 (hg19) VCF-style: chr17-29528447-T-G.
Other names: c.1204T>G, p.Ser402Ala (NM_000267.4, NM_001128147.3); short protein forms S402A.
Identifiers: ClinVar variation 1504117 (VCV001504117.6), dbSNP rs2143885887, ClinGen allele CA398997484.

ClinVar aggregate classification (germline): Uncertain significance. Review status: criteria provided, multiple submitters, no conflicts (2 of 4 stars). 2 submissions from 2 submitters: Uncertain significance (2). Last evaluated 2025-10-29.

Conditions:
Hereditary cancer-predisposing syndrome. Also called: Tumor predisposition; Hereditary neoplastic syndrome; Neoplastic Syndromes, Hereditary; Hereditary Cancer Syndrome. Identifiers: Orphanet 140162, MedGen C0027672, MeSH D009386, MONDO:0015356.
Cardiovascular phenotype. Identifiers: MedGen CN230736.
Neurofibromatosis, type 1 (NF1). Also called: VON RECKLINGHAUSEN DISEASE; NEUROFIBROMATOSIS, TYPE I, SOMATIC; Peripheral type neurofibromatosis; Neurofibromatosis, type I. Identifiers: Orphanet 636, MedGen C0027831, MONDO:0018975, OMIM 162200. Disease mechanism: loss of function.

Submissions (2):

Ambry Genetics
Classification: Uncertain significance for Cardiovascular phenotype; Hereditary cancer-predisposing syndrome. Last evaluated: 2025-10-29. Review status: criteria provided, single submitter. Criteria: Ambry Variant Classification Scheme 2023. Collection method: clinical testing. Allele origin: germline.
Comment: The p.S402A variant (also known as c.1204T>G), located in coding exon 11 of the NF1 gene, results from a T to G substitution at nucleotide position 1204. The serine at codon 402 is replaced by alanine, an amino acid with similar properties. This amino acid position is conserved. In addition, this alteration is predicted to be tolerated by in silico analysis. Based on the available evidence, the clinical significance of this variant remains unclear.

Labcorp Genetics (formerly Invitae), Labcorp
Classification: Uncertain significance for Neurofibromatosis, type 1. Last evaluated: 2021-12-08. Review status: criteria provided, single submitter. Criteria: Invitae Variant Classification Sherloc (09022015). Collection method: clinical testing. Allele origin: germline.
Comment: This sequence change replaces serine, which is neutral and polar, with alanine, which is neutral and non-polar, at codon 402 of the NF1 protein (p.Ser402Ala). This variant is not present in population databases (gnomAD no frequency). This variant has not been reported in the literature in individuals affected with NF1-related conditions. In summary, the available evidence is currently insufficient to determine the role of this variant in disease. Therefore, it has been classified as a Variant of Uncertain Significance. Advanced modeling of protein sequence and biophysical properties (such as structural, functional, and spatial information, amino acid conservation, physicochemical variation, residue mobility, and thermodynamic stability) performed at Invitae indicates that this missense variant is not expected to disrupt NF1 protein function.